The following is an entry in ClinVar:

NM_020937.4(FANCM):c.5267T>C (p.Val1756Ala)

Gene: FANCM (FA complementation group M; plus strand). Cytogenetic location: 14q21.2.
Variant type: single nucleotide variant.
Coding change: c.5267T>C on transcript NM_020937.4 (MANE Select); coding-DNA position 5267, T replaced by C.
Protein change: p.Val1756Ala; replaces valine 1756 with alanine.
Molecular consequence: missense variant.
Genome position (GRCh38, 1-based): chr14:45,189,289, T>C. VCF-style: chr14-45189289-T-C. GRCh37 (hg19) VCF-style: chr14-45658492-T-C.
Other names: c.5189T>C, p.Val1730Ala (NM_001308133.2); short protein forms V1730A, V1756A.
Identifiers: ClinVar variation 3359969 (VCV003359969.2).

ClinVar aggregate classification (germline): Uncertain significance. Review status: criteria provided, multiple submitters, no conflicts (2 of 4 stars). 2 submissions from 2 submitters: Uncertain significance (2). Last evaluated 2024-12-21.

Conditions:
Inborn genetic diseases. Identifiers: MedGen C0950123, MeSH D030342.

Submissions (2):

Ambry Genetics
Classification: Uncertain significance for Inborn genetic diseases. Last evaluated: 2024-12-21. Review status: criteria provided, single submitter. Criteria: Ambry Variant Classification Scheme 2023. Collection method: clinical testing. Allele origin: germline.
Comment: The p.V1756A variant (also known as c.5267T>C), located in coding exon 20 of the FANCM gene, results from a T to C substitution at nucleotide position 5267. The valine at codon 1756 is replaced by alanine, an amino acid with similar properties. This amino acid position is conserved. In addition, this alteration is predicted to be tolerated by in silico analysis. Based on the available evidence, the clinical significance of this variant remains unclear.

GeneDx
Classification: Uncertain significance. Last evaluated: 2023-06-14. Review status: criteria provided, single submitter. Criteria: GeneDx Variant Classification Process June 2021. Collection method: clinical testing. Allele origin: germline. Affected: yes.
Comment: Not observed at significant frequency in large population cohorts (gnomAD); In silico analysis supports that this missense variant does not alter protein structure/function; Has not been previously published as pathogenic or benign to our knowledge